The following is an entry in ClinVar:

ClinVar aggregate classification (germline): Likely benign (1 of 4 stars; one submission).

Allele frequency attached by ClinVar (database versions not stated): gnomAD exomes below 0.00001.
gnomAD v4.1: 1 of 1,614,116 alleles (0.000062%); highest among the groups gnomAD compares: Non-Finnish European, 0.000085%; no homozygotes.

Submission:

GeneDx
Classification: Likely benign. Last evaluated: 2017-03-16. Review status: criteria provided, single submitter. Criteria: GeneDx Variant Classification (06012015). Collection method: clinical testing. Allele origin: germline. Affected: yes.
Comment: This variant is considered likely benign or benign based on one or more of the following criteria: it is a conservative change, it occurs at a poorly conserved position in the protein, it is predicted to be benign by multiple in silico algorithms, and/or has population frequency not consistent with disease.

NM_006329.4(FBLN5):c.129T>C (p.Ile43=)

Gene: FBLN5 (fibulin 5; minus strand). Cytogenetic location: 14q32.12.
Variant type: single nucleotide variant.
Coding change: c.129T>C on transcript NM_006329.4 (MANE Select); coding-DNA position 129, T replaced by C.
Protein change: p.Ile43=; no amino-acid change (isoleucine 43 retained).
Molecular consequence: synonymous variant. On other transcripts: 5 prime UTR variant (2).
Genome position (GRCh38, 1-based): chr14:91,937,197, A>G on the plus strand (T>C on the coding strand, the complement: FBLN5 is on the minus strand). VCF-style: chr14-91937197-A-G. GRCh37 (hg19) VCF-style: chr14-92403541-A-G.
Other names: c.252T>C, p.Ile84= (NM_001384158.1); c.180T>C, p.Ile60= (NM_001384159.1); c.129T>C, p.Ile43= (NM_001384160.1); c.-40T>C (NM_001384161.1, NM_001384162.1).
Identifiers: ClinVar variation 508028 (VCV000508028.1), dbSNP rs1555380162, ClinGen allele CA487830514.
Genomic context (GRCh38, chr14:91,937,197, plus strand): 5'-ATTTTGGTTAACACACATCATGTCTCCTCGGCAGGCCTCGGGGATGGTTCGGCATTCATC[A>G]ATATCTGAAAGGCACAGAAAGGGCGAGCATTAGTGGCACCCCAACTGCCTTGTGTCCGGT-3'
Protein context (NP_006320.2, residues 33-53): LDRQSGQCLD[Ile43=]DECRTIPEAC